The following is an entry in ClinVar:

ClinVar aggregate classification (germline): Pathogenic. Review status: criteria provided, multiple submitters, no conflicts (2 of 4 stars). 4 submissions from 4 submitters: Pathogenic (2). 2 of the submissions do not count toward it. Last evaluated 2024-01-17.

Conditions:
Amyotrophic lateral sclerosis type 23. Identifiers: MedGen C4693381, MONDO:0027694, OMIM 617839.
ANXA11-related disorder. Also called: ANXA11-related condition.

Allele frequency attached by ClinVar (database versions not stated): gnomAD exomes 0.00001 and below 0.00001.
gnomAD v4.1: 2 of 1,528,364 alleles (0.00013%); highest among the groups gnomAD compares: Non-Finnish European, 0.00017%; no homozygotes.

Submissions (4):

Genetics and Molecular Pathology, SA Pathology
Classification: Pathogenic for Amyotrophic lateral sclerosis type 23. Last evaluated: 2024-01-17. Review status: criteria provided, single submitter. Criteria: ACMG Guidelines, 2015. Collection method: clinical testing. Allele origin: germline. Inheritance: Autosomal dominant inheritance. Affected: yes.

Labcorp Genetics (formerly Invitae), Labcorp
Classification: Pathogenic. Last evaluated: 2023-01-12. Review status: criteria provided, single submitter. Criteria: Invitae Variant Classification Sherloc (09022015). Collection method: clinical testing. Allele origin: germline.
Comment: This variant is present in population databases (no rsID available, gnomAD 0.002%). For these reasons, this variant has been classified as Pathogenic. Experimental studies have shown that this missense change affects ANXA11 function (PMID: 28469040, 33087501). Algorithms developed to predict the effect of missense changes on protein structure and function are either unavailable or do not agree on the potential impact of this missense change (SIFT: "Deleterious"; PolyPhen-2: "Not Available"; Align-GVGD: "Class C0"). ClinVar contains an entry for this variant (Variation ID: 488353). This missense change has been observed in individuals with amyotrophic lateral sclerosis (PMID: 28469040, 29845112, 33087501). It has also been observed to segregate with disease in related individuals. This sequence change replaces aspartic acid, which is acidic and polar, with glycine, which is neutral and non-polar, at codon 40 of the ANXA11 protein (p.Asp40Gly).

PreventionGenetics, part of Exact Sciences
Classification: Pathogenic for ANXA11-related condition. Last evaluated: 2024-01-16. Review status: no assertion criteria provided. Collection method: clinical testing. Allele origin: germline. Not counted in ClinVar's aggregate classification.
Comment: The ANXA11 c.119A>G variant is predicted to result in the amino acid substitution p.Asp40Gly. This variant has been reported in individuals with amyotrophic lateral sclerosis (ALS) or ALS-frontotemporal dementia (ALS-FTD) (Smith et al. 2017. PubMed ID: 28469040; Zhang et al. 2018. PubMed ID: 29845112; Nahm et al. 2020. PubMed ID: 33087501; Wang et al. 2022. PubMed ID: 36226077). It was reported to segregate with disease in at least two families (Smith et al. 2017. PubMed ID: 28469040). Experimental studies are consistent with the p.Asp40Gly substitution impacting protein function (Smith et al. 2017. PubMed ID: 28469040; Nahm et al. 2020. PubMed ID: 33087501). This variant is reported in 0.0023% of alleles in individuals of European (Non-Finnish) descent in gnomAD. This variant is interpreted as pathogenic.

OMIM
Classification: Pathogenic for AMYOTROPHIC LATERAL SCLEROSIS 23. Last evaluated: 2018-01-29. Review status: no assertion criteria provided. Collection method: literature only. Allele origin: germline. Not counted in ClinVar's aggregate classification.

Literature cited by the submitters: PubMed 28469040 (cited by Labcorp Genetics (formerly Invitae), Labcorp and OMIM); PubMed 33087501 (cited by Labcorp Genetics (formerly Invitae), Labcorp); PubMed 29845112 (cited by Labcorp Genetics (formerly Invitae), Labcorp).

NM_145868.2(ANXA11):c.119A>G (p.Asp40Gly)

Gene: ANXA11 (annexin A11; minus strand). Cytogenetic location: 10q22.3.
Variant type: single nucleotide variant.
Coding change: c.119A>G on transcript NM_145868.2 (MANE Select); coding-DNA position 119, A replaced by G.
Protein change: p.Asp40Gly; replaces aspartic acid 40 with glycine.
Molecular consequence: missense variant.
Genome position (GRCh38, 1-based): chr10:80,170,852, T>C on the plus strand (A>G on the coding strand, the complement: ANXA11 is on the minus strand). VCF-style: chr10-80170852-T-C. GRCh37 (hg19) VCF-style: chr10-81930608-T-C.
Other names: c.119A>G, p.Asp40Gly (NM_001157.3, NM_001278407.2, NM_001278408.2 and 1 more transcripts); c.20A>G, p.Asp7Gly (NM_001278409.2); c.119A>G (NM_145869.1); short protein forms D40G, D7G.
Identifiers: ClinVar variation 488353 (VCV000488353.10), dbSNP rs1247392012, ClinGen allele CA377368826.
Genomic context (GRCh38, chr10:80,170,852, plus strand): 5'-GGACTCACCATTCCCGAGAGATAGTCCTGGTTGAACTGCCCCGCATAGGTGGCCACGTTA[T>C]CCAGCCCGATGGGGGGCATGCTGGGCGGAGGAGGGTAGGCAGCACCTCCCCAGGGACCAC-3'
Protein context (NP_665875.1, residues 30-50): PPPSMPPIGL[Asp40Gly]NVATYAGQFN